The following is an entry in ClinVar:

ClinVar aggregate classification (germline): Uncertain significance. Review status: criteria provided, multiple submitters, no conflicts (2 of 4 stars). 7 submissions from 7 submitters: Uncertain significance (7). Last evaluated 2026-08-07.

Conditions:
Hereditary cancer-predisposing syndrome. Also called: Tumor predisposition; Hereditary neoplastic syndrome; Neoplastic Syndromes, Hereditary; Hereditary Cancer Syndrome. Identifiers: Orphanet 140162, MedGen C0027672, MeSH D009386, MONDO:0015356.
Acute lymphoid leukemia (ALL). Also called: Lymphoblastic leukemia; Acute lymphoblastic leukemia; Acute lymphocytic leukemia; Leukemia, acute lymphoblastic, somatic. Identifiers: Orphanet 513, MedGen C0023449, MONDO:0004967, OMIM 613065, HP:0006721.
Microcephaly, normal intelligence and immunodeficiency (NBS). Also called: IMMUNODEFICIENCY, MICROCEPHALY, AND CHROMOSOMAL INSTABILITY; SEEMANOVA SYNDROME II; Microcephaly with normal intelligence immunodeficiency and lymphoreticular malignancies; Nonsyndromal microcephaly autosomal recessive with normal intelligence; Seemanova syndrome 2; BERLIN BREAKAGE SYNDROME. Identifiers: Orphanet 647, MedGen C0398791, MONDO:0009623, OMIM 251260.
Aplastic anemia. Identifiers: Orphanet 182040, Orphanet 88, MedGen C0002874, MONDO:0015909, OMIM 609135, HP:0001915.

Allele frequency attached by ClinVar (database versions not stated): gnomAD exomes below 0.00001.
gnomAD v4.1: 3 of 1,608,540 alleles (0.00019%); highest among the groups gnomAD compares: Non-Finnish European, 0.00026%; no homozygotes.

Submissions (7):

Myriad Genetics, Inc.
Classification: Uncertain significance for Microcephaly, normal intelligence and immunodeficiency. Last evaluated: 2026-08-07. Review status: criteria provided, single submitter. Criteria: Myriad Autosomal Dominant, Autosomal Recessive and X-Linked Classification Criteria (2023). Collection method: clinical testing. Allele origin: unknown.
Comment: NM_002485.4(NBN):c.923C>G(A308G) is a missense variant classified as a variant of uncertain significance in the context of Nijmegen breakage syndrome. A308G has not been observed in cases with relevant disease. Relevant functional assessments of this variant are not available in the literature. A308G has not been observed in referenced population frequency databases. In summary, there is insufficient evidence to classify NM_002485.4(NBN):c.923C>G(A308G) as pathogenic or benign. Please note: this variant was assessed in the context of healthy population screening.

Labcorp Genetics (formerly Invitae), Labcorp
Classification: Uncertain significance for Microcephaly, normal intelligence and immunodeficiency. Last evaluated: 2025-08-11. Review status: criteria provided, single submitter. Criteria: Invitae Variant Classification Sherloc (09022015). Collection method: clinical testing. Allele origin: germline.
Comment: This sequence change replaces alanine, which is neutral and non-polar, with glycine, which is neutral and non-polar, at codon 308 of the NBN protein (p.Ala308Gly). This variant is not present in population databases (gnomAD no frequency). This variant has not been reported in the literature in individuals affected with NBN-related conditions. ClinVar contains an entry for this variant (Variation ID: 461590). An algorithm developed to predict the effect of missense changes on protein structure and function (PolyPhen-2) suggests that this variant is likely to be tolerated. In summary, the available evidence is currently insufficient to determine the role of this variant in disease. Therefore, it has been classified as a Variant of Uncertain Significance.

Quest Diagnostics Nichols Institute San Juan Capistrano
Classification: Uncertain significance. Last evaluated: 2025-05-27. Review status: criteria provided, single submitter. Criteria: Quest Diagnostics criteria. Collection method: clinical testing. Allele origin: unknown.
Comment: The NBN c.923C>G (p.Ala308Gly) variant has been reported in the published literature in a pan cancer study as a variant of uncertain significance (PMID: 36346689 (2023)). This variant has not been reported in large, multi-ethnic general populations (Genome Aggregation Database). Analysis of this variant using bioinformatics tools for the prediction of the effect of amino acid changes on protein structure and function yielded conflicting predictions that this variant is benign or damaging. Based on the available information, we are unable to determine the clinical significance of this variant.

Blueprint Genetics
Classification: Uncertain significance. Last evaluated: 2024-04-04. Review status: criteria provided, single submitter. Criteria: ACMG Guidelines, 2015. Collection method: clinical testing. Allele origin: germline.

Ambry Genetics
Classification: Uncertain significance for Hereditary cancer-predisposing syndrome. Last evaluated: 2024-02-22. Review status: criteria provided, single submitter. Criteria: Ambry Variant Classification Scheme 2023. Collection method: clinical testing. Allele origin: germline.
Comment: The p.A308G variant (also known as c.923C>G), located in coding exon 8 of the NBN gene, results from a C to G substitution at nucleotide position 923. The alanine at codon 308 is replaced by glycine, an amino acid with similar properties. This amino acid position is well conserved in available vertebrate species. In addition, this alteration is predicted to be tolerated by in silico analysis. Based on the available evidence, the clinical significance of this alteration remains unclear.

Department of Pathology and Laboratory Medicine, Sinai Health System
Classification: Uncertain significance for Microcephaly, normal intelligence and immunodeficiency; Aplastic anemia; Acute lymphoid leukemia. Last evaluated: 2022-06-16. Review status: criteria provided, single submitter. Criteria: ACMG Guidelines, 2015. Collection method: clinical testing. Allele origin: germline. Affected: no.

Genome-Nilou Lab
Classification: Uncertain significance for Microcephaly, normal intelligence and immunodeficiency. Last evaluated: 2021-11-07. Review status: criteria provided, single submitter. Criteria: ACMG Guidelines, 2015. Collection method: clinical testing. Allele origin: germline. Affected: no.

Literature cited by the submitters: PubMed 36346689 (cited by Quest Diagnostics Nichols Institute San Juan Capistrano).

NM_002485.5(NBN):c.923C>G (p.Ala308Gly)

Gene: NBN (nibrin; minus strand). Cytogenetic location: 8q21.3.
Variant type: single nucleotide variant.
Coding change: c.923C>G on transcript NM_002485.5 (MANE Select); coding-DNA position 923, C replaced by G.
Protein change: p.Ala308Gly; replaces alanine 308 with glycine.
Molecular consequence: missense variant.
Genome position (GRCh38, 1-based): chr8:89,964,481, G>C on the plus strand (C>G on the coding strand, the complement: NBN is on the minus strand). VCF-style: chr8-89964481-G-C. GRCh37 (hg19) VCF-style: chr8-90976709-G-C.
Other names: c.677C>G, p.Ala226Gly (NM_001024688.3); short protein forms A308G, A226G.
Identifiers: ClinVar variation 461590 (VCV000461590.22), dbSNP rs1554562176, ClinGen allele CA371657069.